The following is an entry in ClinVar:

ClinVar aggregate classification (germline): Conflicting classifications of pathogenicity. Review status: criteria provided, conflicting classifications (1 of 4 stars). 6 submissions from 6 submitters: Uncertain significance (5); Likely benign (1). Last evaluated 2024-11-25.

Conditions:
Hyperinsulinism-hyperammonemia syndrome (HHF6). Identifiers: Orphanet 35878, MedGen C1847555, MONDO:0011717, OMIM 606762.

Submissions (6):

GeneDx
Classification: Uncertain significance. Last evaluated: 2024-11-25. Review status: criteria provided, single submitter. Criteria: GeneDx Variant Classification Process June 2021. Collection method: clinical testing. Allele origin: germline. Affected: yes.
Comment: Not observed at significant frequency in large population cohorts (gnomAD); In silico analysis supports that this missense variant has a deleterious effect on protein structure/function; This variant is associated with the following publications: (PMID: 38673928, 39519275)

Laboratorio de Genetica e Diagnostico Molecular, Hospital Israelita Albert Einstein
Classification: Uncertain significance for Hyperinsulinism-hyperammonemia syndrome. Last evaluated: 2024-10-11. Review status: criteria provided, single submitter. Criteria: ACMG Guidelines, 2015. Collection method: clinical testing. Allele origin: germline. Affected: yes.
Comment: ACMG classification criteria: PM2 supporting, PP3 supporting

Labcorp Genetics (formerly Invitae), Labcorp
Classification: Likely benign for Hyperinsulinism-hyperammonemia syndrome. Last evaluated: 2024-08-29. Review status: criteria provided, single submitter. Criteria: Invitae Variant Classification Sherloc (09022015). Collection method: clinical testing. Allele origin: germline.

Fulgent Genetics
Classification: Uncertain significance for Hyperinsulinism-hyperammonemia syndrome. Last evaluated: 2024-05-03. Review status: criteria provided, single submitter. Criteria: ACMG Guidelines, 2015. Collection method: clinical testing. Allele origin: germline.

Women's Health and Genetics/Laboratory Corporation of America, LabCorp
Classification: Uncertain significance. Last evaluated: 2023-10-27. Review status: criteria provided, single submitter. Criteria: LabCorp Variant Classification Summary - May 2015. Collection method: clinical testing. Allele origin: germline.
Comment: Variant summary: GLUD1 c.1466C>G (p.Pro489Arg) results in a non-conservative amino acid change located in the Glutamate/phenylalanine/leucine/valine/L-tryptophan dehydrogenase domain (IPR006096) of the encoded protein sequence. Five of five in-silico tools predict a damaging effect of the variant on protein function. The variant was absent in 251462 control chromosomes (gnomAD). The available data on variant occurrences in the general population are insufficient to allow any conclusion about variant significance. To our knowledge, no occurrence of c.1466C>G in individuals affected with Congenital Hyperinsulinism and no experimental evidence demonstrating its impact on protein function have been reported. One submitter has cited clinical-significance assessments for this variant to ClinVar after 2014 and has classified the variant as uncertain significance. Based on the evidence outlined above, the variant was classified as uncertain significance.

3billion
Classification: Uncertain significance for Hyperinsulinism-hyperammonemia syndrome. Last evaluated: 2023-09-22. Review status: criteria provided, single submitter. Criteria: ACMG Guidelines, 2015. Collection method: clinical testing. Allele origin: germline. Affected: yes.
Comment: The variant is not observed in the gnomAD v2.1.1 dataset. Predicted Consequence/Location: Missense changes are a common disease-causing mechanism. In silico tool predictions suggest the damaging effect of the variant on gene or gene product [REVEL: 0.91 (>=0.6, sensitivity 0.68 and specificity 0.92); 3Cnet: 0.97 (>=0.6, sensitivity 0.72 and precision 0.9)]. A different missense change at the same codon (p.Pro489Leu) has been reported to be associated with GLUD1 related disorder (PMID: 19690084). However, the evidence of pathogenicity is insufficient at this time. Therefore, this variant is classified as VUS according to the recommendation of ACMG/AMP guideline.

Literature cited by the submitters: PubMed 19690084 (cited by 3billion).

NM_005271.5(GLUD1):c.1466C>G (p.Pro489Arg)

Gene: GLUD1 (glutamate dehydrogenase 1; minus strand). Cytogenetic location: 10q23.2.
Variant type: single nucleotide variant.
Coding change: c.1466C>G on transcript NM_005271.5 (MANE Select); coding-DNA position 1466, C replaced by G.
Protein change: p.Pro489Arg; replaces proline 489 with arginine.
Molecular consequence: missense variant.
Genome position (GRCh38, 1-based): chr10:87,057,719, G>C on the plus strand (C>G on the coding strand, the complement: GLUD1 is on the minus strand). VCF-style: chr10-87057719-G-C. GRCh37 (hg19) VCF-style: chr10-88817476-G-C.
Other names: c.1067C>G, p.Pro356Arg (NM_001318900.1); c.965C>G, p.Pro322Arg (NM_001318901.1, NM_001318902.1, NM_001318904.2 and 2 more transcripts); c.1466C>G (NM_005271.3); short protein forms P356R, P489R, P322R.
Identifiers: ClinVar variation 1912578 (VCV001912578.10), dbSNP rs2133788907, ClinGen allele CA377465107.